The following is an entry in ClinVar:

NM_003579.4(RAD54L):c.1768A>T (p.Met590Leu)

Gene: RAD54L (RAD54 like; plus strand). Cytogenetic location: 1p34.1.
Variant type: single nucleotide variant.
Coding change: c.1768A>T on transcript NM_003579.4 (MANE Select); coding-DNA position 1768, A replaced by T.
Protein change: p.Met590Leu; replaces methionine 590 with leucine.
Molecular consequence: missense variant.
Genome position (GRCh38, 1-based): chr1:46,274,616, A>T. VCF-style: chr1-46274616-A-T. GRCh37 (hg19) VCF-style: chr1-46740288-A-T.
Other names: c.1768A>T, p.Met590Leu (NM_001142548.2); c.1228A>T, p.Met410Leu (NM_001370766.1); short protein forms M410L, M590L.
Identifiers: ClinVar variation 2561504 (VCV002561504.2), dbSNP rs2525718539, ClinGen allele CA340185631.

ClinVar aggregate classification (germline): Uncertain significance (1 of 4 stars; one submission).

Submission:

Ambry Genetics
Classification: Uncertain significance. Last evaluated: 2023-05-14. Review status: criteria provided, single submitter. Criteria: Ambry Variant Classification Scheme 2023. Collection method: clinical testing. Allele origin: germline.
Comment: The p.M590L variant (also known as c.1768A>T), located in coding exon 16 of the RAD54L gene, results from an A to T substitution at nucleotide position 1768. The methionine at codon 590 is replaced by leucine, an amino acid with highly similar properties. This amino acid position is conserved. In addition, the in silico prediction for this alteration is inconclusive. Since supporting evidence is limited at this time, the clinical significance of this alteration remains unclear.